The following is an entry in ClinVar:

NM_000797.4(DRD4):c.1056C>G (p.Val352=)

Gene: DRD4 (dopamine receptor D4; plus strand). Cytogenetic location: 11p15.5.
Variant type: single nucleotide variant.
Coding change: c.1056C>G on transcript NM_000797.4 (MANE Select); coding-DNA position 1056, C replaced by G.
Protein change: p.Val352=; no amino-acid change (valine 352 retained).
Molecular consequence: synonymous variant.
Genome position (GRCh38, 1-based): chr11:640,305, C>G. VCF-style: chr11-640305-C-G. GRCh37 (hg19) VCF-style: chr11-640305-C-G.
Other names: NC_000011.9:g.640305C>G.
Identifiers: ClinVar variation 3056794 (VCV003056794.3), dbSNP rs201878429, ClinGen allele CA5785895.

ClinVar aggregate classification (germline): Benign (0 of 4 stars; one submission).

Conditions:
DRD4-related disorder. Also called: DRD4-related condition.

Allele frequency attached by ClinVar (database versions not stated): ExAC 0.00418; 1000 Genomes Project 0.01438; 1000 Genomes Project 30x 0.01671; TOPMed 0.01743.
gnomAD v4.1: 4,690 of 1,504,480 alleles (0.31%); highest among the groups gnomAD compares: African/African-American, 5.4%; 111 homozygotes.

Submissions (5):

PreventionGenetics, part of Exact Sciences
Classification: Benign for DRD4-related condition. Last evaluated: 2019-03-21. Review status: no assertion criteria provided. Collection method: clinical testing. Allele origin: germline.
Comment: This variant is classified as benign based on ACMG/AMP sequence variant interpretation guidelines (Richards et al. 2015 PMID: 25741868, with internal and published modifications).

Dr. Peter K. Rogan Lab, Western University
No classification provided (evidence only). Condition: Colon adenocarcinoma. Review status: no classification provided. Collection method: in vitro. Allele origin: not applicable. Functional consequence: retained intron. Not counted in ClinVar's aggregate classification.

Dr. Peter K. Rogan Lab, Western University
No classification provided (evidence only). Condition: Sarcoma. Review status: no classification provided. Collection method: in vitro. Allele origin: not applicable. Functional consequence: retained intron. Not counted in ClinVar's aggregate classification.

Dr. Peter K. Rogan Lab, Western University
No classification provided (evidence only). Condition: Thymoma. Review status: no classification provided. Collection method: in vitro. Allele origin: not applicable. Functional consequence: retained intron. Not counted in ClinVar's aggregate classification.

Dr. Peter K. Rogan Lab, Western University
No classification provided (evidence only). Condition: Ovarian serous cystadenocarcinoma. Review status: no classification provided. Collection method: in vitro. Allele origin: not applicable. Functional consequence: retained intron. Not counted in ClinVar's aggregate classification.